The following is an entry in ClinVar:

NM_005732.4(RAD50):c.1749A>G (p.Lys583=)

Gene: RAD50 (RAD50 double strand break repair protein; plus strand). Cytogenetic location: 5q31.1.
Variant type: single nucleotide variant.
Coding change: c.1749A>G on transcript NM_005732.4 (MANE Select); coding-DNA position 1749, A replaced by G.
Protein change: p.Lys583=; no amino-acid change (lysine 583 retained).
Molecular consequence: synonymous variant.
Genome position (GRCh38, 1-based): chr5:132,591,990, A>G. VCF-style: chr5-132591990-A-G. GRCh37 (hg19) VCF-style: chr5-131927682-A-G.
Identifiers: ClinVar variation 1520272 (VCV001520272.10), dbSNP rs2149842746, ClinGen allele CA446361718.
Genomic context (GRCh38, chr5:132,591,990, plus strand): 5'-AACCTCACTGTTGGGATATTTTCCCAACAAAAAACAGCTTGAAGACTGGCTACATAGTAA[A>G]TCAAAAGAAATTAATCAGACCAGGGACAGACTTGCCAAATTGAAGTAAGTTGCAACATTT-3'
Protein context (NP_005723.2, residues 573-593): KKQLEDWLHS[Lys583=]SKEINQTRDR

ClinVar aggregate classification (germline): Conflicting classifications of pathogenicity. Review status: criteria provided, conflicting classifications (1 of 4 stars). 2 submissions from 2 submitters: Uncertain significance (1); Likely benign (1). Last evaluated 2021-03-26.

Conditions:
Hereditary cancer-predisposing syndrome. Also called: Hereditary neoplastic syndrome; Hereditary Cancer Syndrome; Tumor predisposition; Neoplastic Syndromes, Hereditary. Identifiers: Orphanet 140162, MedGen C0027672, MeSH D009386, MONDO:0015356.

gnomAD v4.1: 1 of 1,613,266 alleles (0.000062%); no homozygotes.

Submissions (2):

Labcorp Genetics (formerly Invitae), Labcorp
Classification: Uncertain significance for Hereditary cancer-predisposing syndrome. Last evaluated: 2021-03-26. Review status: criteria provided, single submitter. Criteria: Invitae Variant Classification Sherloc (09022015). Collection method: clinical testing. Allele origin: germline.
Comment: This variant has not been reported in the literature in individuals with RAD50-related conditions. This variant is not present in population databases (ExAC no frequency). This sequence change affects codon 583 of the RAD50 mRNA. It is a 'silent' change, meaning that it does not change the encoded amino acid sequence of the RAD50 protein. Algorithms developed to predict the effect of sequence changes on RNA splicing suggest that this variant may create or strengthen a splice site, but this prediction has not been confirmed by published transcriptional studies. In summary, the available evidence is currently insufficient to determine the role of this variant in disease. Therefore, it has been classified as a Variant of Uncertain Significance.

Ambry Genetics
Classification: Likely benign for Hereditary cancer-predisposing syndrome. Last evaluated: 2015-10-31. Review status: criteria provided, single submitter. Criteria: Ambry Variant Classification Scheme 2023. Collection method: clinical testing. Allele origin: germline.